The following is an entry in ClinVar:

ClinVar aggregate classification (germline): Uncertain significance (1 of 4 stars; one submission).

Allele frequency attached by ClinVar (database versions not stated): gnomAD exomes below 0.00001; ExAC 0.00001.
gnomAD v4.1: 2 of 1,614,074 alleles (0.00012%); highest among the groups gnomAD compares: Admixed American, 0.0033%; no homozygotes.

Submission:

Labcorp Genetics (formerly Invitae), Labcorp
Classification: Uncertain significance. Last evaluated: 2025-08-19. Review status: criteria provided, single submitter. Criteria: Invitae Variant Classification Sherloc (09022015). Collection method: clinical testing. Allele origin: germline.
Comment: This sequence change replaces glutamic acid, which is acidic and polar, with alanine, which is neutral and non-polar, at codon 162 of the BACH2 protein (p.Glu162Ala). This variant is present in population databases (rs765825161, gnomAD 0.003%). This variant has not been reported in the literature in individuals affected with BACH2-related conditions. ClinVar contains an entry for this variant (Variation ID: 1359087). An algorithm developed to predict the effect of missense changes on protein structure and function (PolyPhen-2) suggests that this variant is likely to be tolerated. In summary, the available evidence is currently insufficient to determine the role of this variant in disease. Therefore, it has been classified as a Variant of Uncertain Significance.

NM_021813.4(BACH2):c.485A>C (p.Glu162Ala)

Gene: BACH2 (BACH transcriptional regulator 2; minus strand). Cytogenetic location: 6q15.
Variant type: single nucleotide variant.
Coding change: c.485A>C on transcript NM_021813.4 (MANE Select); coding-DNA position 485, A replaced by C.
Protein change: p.Glu162Ala; replaces glutamic acid 162 with alanine.
Molecular consequence: missense variant.
Genome position (GRCh38, 1-based): chr6:89,951,621, T>G on the plus strand (A>C on the coding strand, the complement: BACH2 is on the minus strand). VCF-style: chr6-89951621-T-G. GRCh37 (hg19) VCF-style: chr6-90661340-T-G.
Other names: c.485A>C, p.Glu162Ala (NM_001170794.2); short protein forms E162A.
Identifiers: ClinVar variation 1359087 (VCV001359087.6), dbSNP rs765825161, ClinGen allele CA3928157.